The following is an entry in ClinVar:

NM_006269.2(RP1):c.2150del (p.Asp716_Ser717insTer)

Gene: RP1 (RP1 axonemal microtubule associated; plus strand). Cytogenetic location: 8q12.1.
Variant type: Deletion.
Coding change: c.2150del on transcript NM_006269.2 (MANE Select); coding-DNA position 2150, one base deleted (C; older notation c.2150delC).
Protein change: p.Asp716_Ser717insTer.
Molecular consequence: nonsense. On other transcripts: intron variant (1).
Genome position (GRCh38, 1-based): chr8:54,626,032, C deleted. VCF-style (leftmost placement, unchanged base first): chr8-54626031-TC-T. GRCh37 (hg19) VCF-style: chr8-55538591-TC-T.
Other names: c.787+3744del (NM_001375654.1).
Identifiers: ClinVar variation 2024773 (VCV002024773.4), dbSNP rs2536573409, ClinGen allele CA2580078388.
Genomic context (GRCh38, chr8:54,626,031, plus strand): 5'-AATAAGAATGAGAGAATAAACACAAAAGGTAGAATTACAAAGGAAATGATAGTGCAAGAT[TC>T]AGATAGTCCCCTTAAAGGAGGGATACTTTGTGAGGAAGACCTCCAGAAAAGTGATACTGT-3'

ClinVar aggregate classification (germline): Pathogenic (1 of 4 stars; one submission).

Submission:

Labcorp Genetics (formerly Invitae), Labcorp
Classification: Pathogenic. Last evaluated: 2022-09-06. Review status: criteria provided, single submitter. Criteria: Invitae Variant Classification Sherloc (09022015). Collection method: clinical testing. Allele origin: germline.
Comment: For these reasons, this variant has been classified as Pathogenic. This variant disrupts the C-terminus of the RP1 protein. Many variants that disrupt this region have been reported in individuals with either autosomal dominant or autosomal recessive retinitis pigmentosa (PMID: 11527933, 19933189, 29425069, 30027431, 33681214). Therefore, variants that disrupt this region are expected to be disease-causing. This variant has not been reported in the literature in individuals affected with RP1-related conditions. This variant is not present in population databases (gnomAD no frequency). This sequence change creates a premature translational stop signal (p.Ser717*) in the RP1 gene. While this is not anticipated to result in nonsense mediated decay, it is expected to disrupt the last 1440 amino acid(s) of the RP1 protein.

Literature cited by the submitters: PubMed 11527933; PubMed 19933189; PubMed 29425069; PubMed 30027431; PubMed 33681214.